The following is an entry in ClinVar:

NM_000540.3(RYR1):c.7007G>A (p.Arg2336His)

Gene: RYR1 (ryanodine receptor 1; plus strand). Cytogenetic location: 19q13.2.
Variant type: single nucleotide variant.
Coding change: c.7007G>A on transcript NM_000540.3 (MANE Select); coding-DNA position 7007, G replaced by A.
Protein change: p.Arg2336His; replaces arginine 2336 with histidine.
Molecular consequence: missense variant.
Genome position (GRCh38, 1-based): chr19:38,499,223, G>A. VCF-style: chr19-38499223-G-A. GRCh37 (hg19) VCF-style: chr19-38989863-G-A.
Other names: NM_000540.3(RYR1):c.7007G>A; c.7007G>A, p.Arg2336His (NM_001042723.2); short protein forms R2336H.
Identifiers: ClinVar variation 133174 (VCV000133174.64), dbSNP rs112563513, ClinGen allele CA024662.
Genomic context (GRCh38, chr19:38,499,223, plus strand): 5'-AAGGGTACCCAGACATTGGCTGGAACCCCTGTGGTGGAGAGCGCTACCTGGACTTCCTGC[G>A]CTTTGCTGTCTTCGTCAACGGTGAGGAGGGGGTGGCAGTGGCAGAGCGGGAAGTATGGAG-3'
Protein context (NP_000531.2, residues 2326-2346): CGGERYLDFL[Arg2336His]FAVFVNGESV

ClinVar aggregate classification (germline): Pathogenic; drug response. Review status: reviewed by expert panel (3 of 4 stars). 19 submissions from 13 submitters: Pathogenic (1). 11 of the submissions do not count toward it. Last evaluated 2022-07-10.

Conditions:
Central core myopathy (CMYO1A). Also called: CONGENITAL MYOPATHY 1A, AUTOSOMAL DOMINANT, WITH SUSCEPTIBILITY TO MALIGNANT HYPERTHERMIA; Central core disease; Myopathy, central fibrillar. Identifiers: Orphanet 597, MedGen C5830701, MONDO:0007294, OMIM 117000.
Malignant hyperthermia, susceptibility to, 1 (MHS1). Also called: Malignant hyperthermia suceptibility 1; Anesthesia related hyperthermia; Malignant hyperpyrexia; Fulminating hyperpyrexia; Pharmacogenic myopathy; RYR1-Related Malignant Hyperthermia Susceptibility. Identifiers: Orphanet 423, MedGen C2930980, MONDO:0007783, OMIM 145600.
RYR1-related disorder. Also called: RYR1-related condition; RYR1-related disorders. Identifiers: MedGen CN239331.
Malignant hyperthermia of anesthesia. Also called: Anesthesic-triggered malignant hyperthermia. Identifiers: Orphanet 423, MedGen C0024591, MONDO:0018493, HP:0034733.
methoxyflurane response - Toxicity.
isoflurane response - Toxicity.
halothane response - Toxicity.
enflurane response - Toxicity.
desflurane response - Toxicity.
succinylcholine response - Toxicity.
sevoflurane response - Toxicity.

Allele frequency attached by ClinVar (database versions not stated): gnomAD exomes below 0.00001; TOPMed below 0.00001; gnomAD 0.00001.
gnomAD v4.1: 5 of 1,614,088 alleles (0.00031%); highest among the groups gnomAD compares: South Asian, 0.0011%; no homozygotes.

Submissions 1 to 13 of 19:

ClinGen Malignant Hyperthermia Susceptibility Variant Curation Expert Panel, ClinGen
Classification: Pathogenic for Malignant hyperthermia, susceptibility to, 1. Last evaluated: 2022-07-10. Review status: reviewed by expert panel. Criteria: ClinGen MHS ACMG Specifications V2. Collection method: curation. Allele origin: germline. Inheritance: Autosomal dominant inheritance.
Comment: This pathogenicity assessment is relevant only for malignant hyperthermia susceptibility (MHS) inherited in an autosomal dominant pattern. Variants in RYR1 can also cause other myopathies inherited in an autosomal dominant pattern or in an autosomal recessive pattern. Some of these disorders may predispose individuals to malignant hyperthermia. RYR1 variants may also contribute to a malignant hyperthermia reaction in combination with other genetic and non-genetic factors and the clinician needs to consider such factors in making management decisions. This sequence variant predicts a substitution of arginine with histidine at codon 2336 of the RYR1 protein, p.(Arg2336His). This variant was not present in a large population database (gnomAD) at the time this variant was interpreted. This variant has been reported in 26 individuals with a personal or family history of an MH episode and a positive in vitro contracture test (IVCT) or caffeine halothane contracture test (CHCT) result (if the proband was unavailable for testing, a positive diagnostic test result in a mutation-positive relative was counted), PS4 (PMID: 30236257, 19191329, 24433488, 21455645, 23460944, 23558838, 23736090, 31559918). This variant segregates with IVCT status in over 10 individuals (PMID: 30236257, 19191329, 24433488). Functional study in HEK293 cells showed an increased sensitivity to RYR1 agonists, PS3_Moderate (PMID: 28403410). This variant resides in a region of RYR1 considered to be a hotspot for pathogenic variants that contribute to MHS, PM1 (PMID: 21118704). A REVEL score >0.85 (0.903) supports a pathogenic status for this variant, PP3_Moderate. This variant has been classified as Pathogenic. Criteria implemented: PS3_Moderate, PS4, PM1, PP1_Strong, PP3_Moderate.

ClinPGx
Classification: drug response for halothane response - Toxicity. Last evaluated: 2021-03-24. Review status: reviewed by expert panel. Criteria: Pharmacogenomics knowledge for personalized medicine. Collection method: curation. Allele origin: germline. Affected: yes.
Comment: PharmGKB Level of Evidence 1A: Level 1A clinical annotations describe variant-drug combinations that have variant-specific prescribing guidance available in a current clinical guideline annotation or an FDA-approved drug label annotation. Annotations of drug labels or clinical guidelines must give prescribing guidance for specific variants (e.g. CYP2C9*3, HLA-B*57:01) or provide mapping from defined allele functions to diplotypes and phenotypes to be used as supporting evidence for a level 1A clinical annotation. Level 1A clinical annotations must also be supported by at least one publication in addition to a clinical guideline or drug label with variant-specific prescribing guidance.

Drug is not necessarily used to treat response condition

ClinPGx
Classification: drug response for isoflurane response - Toxicity. Last evaluated: 2021-03-24. Review status: reviewed by expert panel. Criteria: Pharmacogenomics knowledge for personalized medicine. Collection method: curation. Allele origin: germline. Affected: yes.
Comment: the same text as in the submission from ClinPGx above.

ClinPGx
Classification: drug response for methoxyflurane response - Toxicity. Last evaluated: 2021-03-24. Review status: reviewed by expert panel. Criteria: Pharmacogenomics knowledge for personalized medicine. Collection method: curation. Allele origin: germline. Affected: yes.
Comment: the same text as in the submission from ClinPGx above.

ClinPGx
Classification: drug response for sevoflurane response - Toxicity. Last evaluated: 2021-03-24. Review status: reviewed by expert panel. Criteria: Pharmacogenomics knowledge for personalized medicine. Collection method: curation. Allele origin: germline. Affected: yes.
Comment: the same text as in the submission from ClinPGx above.

ClinPGx
Classification: drug response for succinylcholine response - Toxicity. Last evaluated: 2021-03-24. Review status: reviewed by expert panel. Criteria: Pharmacogenomics knowledge for personalized medicine. Collection method: curation. Allele origin: germline. Affected: yes.
Comment: the same text as in the submission from ClinPGx above.

ClinPGx
Classification: drug response for desflurane response - Toxicity. Last evaluated: 2021-03-24. Review status: reviewed by expert panel. Criteria: Pharmacogenomics knowledge for personalized medicine. Collection method: curation. Allele origin: germline. Affected: yes.
Comment: the same text as in the submission from ClinPGx above.

ClinPGx
Classification: drug response for enflurane response - Toxicity. Last evaluated: 2021-03-24. Review status: reviewed by expert panel. Criteria: Pharmacogenomics knowledge for personalized medicine. Collection method: curation. Allele origin: germline. Affected: yes.
Comment: the same text as in the submission from ClinPGx above.

GeneDx
Classification: Pathogenic. Last evaluated: 2026-01-23. Review status: criteria provided, single submitter. Criteria: GeneDx Variant Classification Process June 2021. Collection method: clinical testing. Allele origin: germline. Not counted in ClinVar's aggregate classification.
Comment: Published functional studies demonstrate increased sensitivity to RYR1 agonists (PMID: 28403410); In silico analysis supports that this missense variant has a deleterious effect on protein structure/function; Not observed at significant frequency in large population cohorts (gnomAD); This variant is associated with the following publications: (PMID: 23558838, 19648156, 31206373, 31447099, 33146414, 32236737, 33259453, 31559918, 39096151, 27147545, 28403410, 16835904, 19191329, 23736090, 12668474, 33767344, 30236257, 21455645)

Labcorp Genetics (formerly Invitae), Labcorp
Classification: Pathogenic for RYR1-related disorder. Last evaluated: 2025-12-31. Review status: criteria provided, single submitter. Criteria: Invitae Variant Classification Sherloc (09022015). Collection method: clinical testing. Allele origin: germline. Not counted in ClinVar's aggregate classification.
Comment: This sequence change replaces arginine, which is basic and polar, with histidine, which is basic and polar, at codon 2336 of the RYR1 protein (p.Arg2336His). This variant is not present in population databases (gnomAD no frequency). This missense change has been observed in individuals with autosomal dominant malignant hyperthermia susceptibility (MHS) (PMID: 19191329, 19648156, 21455645, 23476141, 23558838, 24433488). It has also been observed to segregate with disease in related individuals. ClinVar contains an entry for this variant (Variation ID: 133174). Invitae Evidence Modeling of protein sequence and biophysical properties (such as structural, functional, and spatial information, amino acid conservation, physicochemical variation, residue mobility, and thermodynamic stability) indicates that this missense variant is expected to disrupt RYR1 protein function with a positive predictive value of 80%. Experimental studies have shown that this missense change affects RYR1 function (PMID: 19191329, 23736090). For these reasons, this variant has been classified as Pathogenic.

CeGaT Center for Human Genetics Tuebingen
Classification: Pathogenic. Last evaluated: 2025-08-01. Review status: criteria provided, single submitter. Criteria: CeGaT Center For Human Genetics Tuebingen Variant Classification Criteria Version 2. Collection method: clinical testing. Allele origin: germline. Affected: yes. Observed: 2 variant alleles. Not counted in ClinVar's aggregate classification.
Comment: RYR1: PP1:Strong, PS4, PM2, PP3, PS3:Supporting

Greenwood Genetic Center Diagnostic Laboratories, Greenwood Genetic Center
Classification: Pathogenic for Central core myopathy. Last evaluated: 2024-04-01. Review status: criteria provided, single submitter. Criteria: ACMG Guidelines, 2015. Collection method: clinical testing. Allele origin: germline. Affected: yes. Not counted in ClinVar's aggregate classification.
Comment: PS4, PS3_Moderate, PM1, PP1, PP3

Blueprint Genetics
Classification: Pathogenic for RYR1-related disorders. Last evaluated: 2022-10-18. Review status: criteria provided, single submitter. Criteria: ACMG Guidelines, 2015. Collection method: clinical testing. Allele origin: germline. Affected: yes. Observed: 3 variant alleles. Not counted in ClinVar's aggregate classification.